The following is an entry in ClinVar:

NM_000444.6(PHEX):c.933+1G>A

Gene: PHEX (phosphate regulating endopeptidase X-linked; plus strand). Cytogenetic location: Xp22.11.
Variant type: single nucleotide variant.
Coding change: c.933+1G>A on transcript NM_000444.6 (MANE Select); the canonical splice donor site of the intron after coding-DNA position 933, G replaced by A.
Molecular consequence: splice donor variant.
Genome position (GRCh38, 1-based): chrX:22,097,039, G>A. VCF-style: chrX-22097039-G-A. GRCh37 (hg19) VCF-style: chrX-22115157-G-A.
Other names: c.933+1G>A (NM_001282754.2).
Identifiers: ClinVar variation 1448202 (VCV001448202.8), dbSNP rs1556025314, ClinGen allele CA412572719.

ClinVar aggregate classification (germline): Pathogenic (1 of 4 stars; one submission).

Submission:

Labcorp Genetics (formerly Invitae), Labcorp
Classification: Pathogenic. Last evaluated: 2021-06-17. Review status: criteria provided, single submitter. Criteria: Invitae Variant Classification Sherloc (09022015). Collection method: clinical testing. Allele origin: germline.
Comment: This variant is not present in population databases (ExAC no frequency). This sequence change affects a donor splice site in intron 8 of the PHEX gene. It is expected to disrupt RNA splicing. Variants that disrupt the donor or acceptor splice site typically lead to a loss of protein function (PMID: 16199547), and loss-of-function variants in PHEX are known to be pathogenic (PMID: 9097956, 9106524, 19219621). This variant has been observed in individual(s) with hypophosphatemic rickets (PMID: 30682568, 9199930). Algorithms developed to predict the effect of sequence changes on RNA splicing suggest that this variant may disrupt the consensus splice site, but this prediction has not been confirmed by published transcriptional studies. For these reasons, this variant has been classified as Pathogenic.

Literature cited by the submitters: PubMed 16199547; PubMed 9097956; PubMed 9106524; PubMed 19219621; PubMed 30682568; PubMed 9199930.